The following is an entry in ClinVar:

NM_004168.4(SDHA):c.20T>C (p.Leu7Pro)

Gene: SDHA (succinate dehydrogenase complex flavoprotein subunit A; plus strand). Cytogenetic location: 5p15.33.
Variant type: single nucleotide variant.
Coding change: c.20T>C on transcript NM_004168.4 (MANE Select); coding-DNA position 20, T replaced by C.
Protein change: p.Leu7Pro; replaces leucine 7 with proline.
Molecular consequence: missense variant.
Genome position (GRCh38, 1-based): chr5:218,375, T>C. VCF-style: chr5-218375-T-C. GRCh37 (hg19) VCF-style: chr5-218490-T-C.
Other names: c.20T>C, p.Leu7Pro (NM_001294332.2, NM_001330758.2); short protein forms L7P.
Identifiers: ClinVar variation 946079 (VCV000946079.14), dbSNP rs1734500083, ClinGen allele CA359007291.

ClinVar aggregate classification (germline): Uncertain significance. Review status: criteria provided, multiple submitters, no conflicts (2 of 4 stars). 2 submissions from 2 submitters: Uncertain significance (2). Last evaluated 2026-01-27.

Conditions:
Mitochondrial complex II deficiency, nuclear type 1. Also called: SUCCINATE CoQ REDUCTASE DEFICIENCY. Identifiers: Orphanet 3208, MedGen C5700310, MONDO:0100294, OMIM 252011.
Pheochromocytoma/paraganglioma syndrome 5. Also called: Paragangliomas 5; SDHA-Related Hereditary Paraganglioma-Pheochromocytoma Syndrome. Identifiers: Orphanet 29072, MedGen C3279992, MONDO:0013602, OMIM 614165.
Hereditary cancer-predisposing syndrome. Also called: Hereditary Cancer Syndrome; Neoplastic Syndromes, Hereditary; Tumor predisposition; Hereditary neoplastic syndrome. Identifiers: Orphanet 140162, MedGen C0027672, MeSH D009386, MONDO:0015356.

Allele frequency attached by ClinVar (database versions not stated): gnomAD exomes below 0.00001.
gnomAD v4.1: 2 of 1,455,906 alleles (0.00014%); highest among the groups gnomAD compares: South Asian, 0.0014%; no homozygotes.

Submissions (2):

Ambry Genetics
Classification: Uncertain significance for Hereditary cancer-predisposing syndrome. Last evaluated: 2026-01-27. Review status: criteria provided, single submitter. Criteria: Ambry Variant Classification Scheme 2023. Collection method: clinical testing. Allele origin: germline.
Comment: The p.L7P variant (also known as c.20T>C), located in coding exon 1 of the SDHA gene, results from a T to C substitution at nucleotide position 20. The leucine at codon 7 is replaced by proline, an amino acid with similar properties. This amino acid position is not well conserved in available vertebrate species. In addition, this alteration is predicted to be tolerated by in silico analysis. Based on the available evidence, the clinical significance of this variant remains unclear.

Labcorp Genetics (formerly Invitae), Labcorp
Classification: Uncertain significance for Pheochromocytoma/paraganglioma syndrome 5; Mitochondrial complex II deficiency, nuclear type 1. Last evaluated: 2025-07-31. Review status: criteria provided, single submitter. Criteria: Invitae Variant Classification Sherloc (09022015). Collection method: clinical testing. Allele origin: germline.
Comment: This sequence change replaces leucine, which is neutral and non-polar, with proline, which is neutral and non-polar, at codon 7 of the SDHA protein (p.Leu7Pro). This variant is not present in population databases (gnomAD no frequency). This variant has not been reported in the literature in individuals affected with SDHA-related conditions. ClinVar contains an entry for this variant (Variation ID: 946079). Invitae Evidence Modeling of protein sequence and biophysical properties (such as structural, functional, and spatial information, amino acid conservation, physicochemical variation, residue mobility, and thermodynamic stability) indicates that this missense variant is not expected to disrupt SDHA protein function with a negative predictive value of 95%. In summary, the available evidence is currently insufficient to determine the role of this variant in disease. Therefore, it has been classified as a Variant of Uncertain Significance.